The following is an entry in ClinVar:

NM_138638.5(CFL2):c.169G>A (p.Val57Met)

Gene: CFL2 (cofilin 2; minus strand). Cytogenetic location: 14q13.1.
Variant type: single nucleotide variant.
Coding change: c.169G>A on transcript NM_138638.5 (MANE Select); coding-DNA position 169, G replaced by A.
Protein change: p.Val57Met; replaces valine 57 with methionine.
Molecular consequence: missense variant.
Genome position (GRCh38, 1-based): chr14:34,713,396, C>T on the plus strand (G>A on the coding strand, the complement: CFL2 is on the minus strand). VCF-style: chr14-34713396-C-T. GRCh37 (hg19) VCF-style: chr14-35182602-C-T.
Other names: c.118G>A, p.Val40Met (NM_001243645.2); c.169G>A, p.Val57Met (NM_021914.8); short protein forms V40M, V57M.
Identifiers: ClinVar variation 954128 (VCV000954128.10), dbSNP rs200536303, ClinGen allele CA7152319.
Genomic context (GRCh38, chr14:34,713,396, plus strand): 5'-GAGGTAGCAACTTCACAAAAGATGTGTAGGGGTCCTCTACAGTATCACCAATGTCACCCA[C>T]CAAGATCTGCTTTGCTTCCTCTACAATTATTTGTCTTTTGTCATCGCTTAAACAGAAGAG-3'
Protein context (NP_619579.1, residues 47-67): IIVEEAKQIL[Val57Met]GDIGDTVEDP

ClinVar aggregate classification (germline): Uncertain significance. Review status: criteria provided, multiple submitters, no conflicts (2 of 4 stars). 3 submissions from 3 submitters: Uncertain significance (3). Last evaluated 2025-07-27.

Conditions:
Nemaline myopathy 7 (NEM7). Also called: Nemaline myopathy 7, autosomal recessive. Identifiers: Orphanet 171436, MedGen C1853154, MONDO:0012538, OMIM 610687.

Allele frequency attached by ClinVar (database versions not stated): TOPMed 0.00009; ESP Exome Variant Server 0.00015; gnomAD exomes 0.00018; ExAC 0.00020; gnomAD 0.00025 and 0.00026.
gnomAD v4.1: 234 of 1,613,992 alleles (0.014%); highest among the groups gnomAD compares: Non-Finnish European, 0.013%; 1 homozygote.

Submissions (6):

GeneDx
Classification: Uncertain significance. Last evaluated: 2025-07-27. Review status: criteria provided, single submitter. Criteria: GeneDx Variant Classification Process June 2021. Collection method: clinical testing. Allele origin: germline. Affected: yes.
Comment: In silico analysis suggests that this missense variant does not alter protein structure/function; Has not been previously published as pathogenic or benign to our knowledge

Blueprint Genetics
Classification: Uncertain significance. Last evaluated: 2024-11-06. Review status: criteria provided, single submitter. Criteria: ACMG Guidelines, 2015. Collection method: clinical testing. Allele origin: germline.

Labcorp Genetics (formerly Invitae), Labcorp
Classification: Uncertain significance for Nemaline myopathy 7. Last evaluated: 2021-08-30. Review status: criteria provided, single submitter. Criteria: Invitae Variant Classification Sherloc (09022015). Collection method: clinical testing. Allele origin: germline.
Comment: This sequence change replaces valine with methionine at codon 57 of the CFL2 protein (p.Val57Met). The valine residue is highly conserved and there is a small physicochemical difference between valine and methionine. This variant is present in population databases (rs200536303, ExAC 0.2%). This variant has not been reported in the literature in individuals affected with CFL2-related conditions. ClinVar contains an entry for this variant (Variation ID: 954128). Algorithms developed to predict the effect of missense changes on protein structure and function are either unavailable or do not agree on the potential impact of this missense change (SIFT: "Deleterious"; PolyPhen-2: "Possibly Damaging"; Align-GVGD: "Class C15"). In summary, the available evidence is currently insufficient to determine the role of this variant in disease. Therefore, it has been classified as a Variant of Uncertain Significance.

Dr. Peter K. Rogan Lab, Western University
No classification provided (evidence only). Condition: Thyroid cancer, nonmedullary, 1. Review status: no classification provided. Collection method: in vitro. Allele origin: not applicable. Functional consequence: retained intron. Not counted in ClinVar's aggregate classification.

Dr. Peter K. Rogan Lab, Western University
No classification provided (evidence only). Condition: Sarcoma. Review status: no classification provided. Collection method: in vitro. Allele origin: not applicable. Functional consequence: retained intron. Not counted in ClinVar's aggregate classification.

Dr. Peter K. Rogan Lab, Western University
No classification provided (evidence only). Condition: Gastric cancer. Review status: no classification provided. Collection method: in vitro. Allele origin: not applicable. Functional consequence: retained intron. Not counted in ClinVar's aggregate classification.